The following is an entry in ClinVar:

NM_005732.4(RAD50):c.2416G>C (p.Glu806Gln)

Gene: RAD50 (RAD50 double strand break repair protein; plus strand). Cytogenetic location: 5q31.1.
Variant type: single nucleotide variant.
Coding change: c.2416G>C on transcript NM_005732.4 (MANE Select); coding-DNA position 2416, G replaced by C.
Protein change: p.Glu806Gln; replaces glutamic acid 806 with glutamine.
Molecular consequence: missense variant.
Genome position (GRCh38, 1-based): chr5:132,603,938, G>C. VCF-style: chr5-132603938-G-C. GRCh37 (hg19) VCF-style: chr5-131939630-G-C.
Other names: short protein forms E806Q.
Identifiers: ClinVar variation 2820918 (VCV002820918.3), dbSNP rs2479666001, ClinGen allele CA360955377.

ClinVar aggregate classification (germline): Uncertain significance (1 of 4 stars; one submission).

Conditions:
Hereditary cancer-predisposing syndrome. Also called: Neoplastic Syndromes, Hereditary; Tumor predisposition; Hereditary Cancer Syndrome; Hereditary neoplastic syndrome. Identifiers: Orphanet 140162, MedGen C0027672, MeSH D009386, MONDO:0015356.

Submission:

Labcorp Genetics (formerly Invitae), Labcorp
Classification: Uncertain significance for Hereditary cancer-predisposing syndrome. Last evaluated: 2022-12-15. Review status: criteria provided, single submitter. Criteria: Invitae Variant Classification Sherloc (09022015). Collection method: clinical testing. Allele origin: germline.
Comment: This variant is not present in population databases (gnomAD no frequency). In summary, the available evidence is currently insufficient to determine the role of this variant in disease. Therefore, it has been classified as a Variant of Uncertain Significance. Advanced modeling of protein sequence and biophysical properties (such as structural, functional, and spatial information, amino acid conservation, physicochemical variation, residue mobility, and thermodynamic stability) performed at Invitae indicates that this missense variant is not expected to disrupt RAD50 protein function. This variant has not been reported in the literature in individuals affected with RAD50-related conditions. This sequence change replaces glutamic acid, which is acidic and polar, with glutamine, which is neutral and polar, at codon 806 of the RAD50 protein (p.Glu806Gln).